The following is an entry in ClinVar:

NM_019109.5(ALG1):c.185C>A (p.Ser62Ter)

Genes: ALG1 (ALG1 chitobiosyldiphosphodolichol beta-mannosyltransferase; plus strand), LOC130058384 (ATAC-STARR-seq lymphoblastoid active region 10349; plus strand). Cytogenetic location: 16p13.3.
Variant type: single nucleotide variant.
Coding change: c.185C>A on transcript NM_019109.5 (MANE Select); coding-DNA position 185, C replaced by A.
Protein change: p.Ser62Ter; replaces serine 62 with a stop codon.
Molecular consequence: nonsense.
Genome position (GRCh38, 1-based): chr16:5,072,034, C>A. VCF-style: chr16-5072034-C-A. GRCh37 (hg19) VCF-style: chr16-5122035-C-A.
Other names: short protein forms S62*.
Identifiers: ClinVar variation 2772868 (VCV002772868.3), dbSNP rs1253708943, ClinGen allele CA394678783.

ClinVar aggregate classification (germline): Pathogenic (1 of 4 stars; one submission).

Conditions:
ALG1-congenital disorder of glycosylation. Also called: ALG1-CDG; CONGENITAL DISORDER OF GLYCOSYLATION, TYPE Ik; CDG Ik. Identifiers: Orphanet 79327, MedGen C2931005, MONDO:0012052, OMIM 608540.

Submission:

Labcorp Genetics (formerly Invitae), Labcorp
Classification: Pathogenic for ALG1-congenital disorder of glycosylation. Last evaluated: 2023-10-30. Review status: criteria provided, single submitter. Criteria: Invitae Variant Classification Sherloc (09022015). Collection method: clinical testing. Allele origin: germline.
Comment: This sequence change creates a premature translational stop signal (p.Ser62*) in the ALG1 gene. It is expected to result in an absent or disrupted protein product. Loss-of-function variants in ALG1 are known to be pathogenic (PMID: 20679665, 23806237). This variant is not present in population databases (gnomAD no frequency). This variant has not been reported in the literature in individuals affected with ALG1-related conditions. Algorithms developed to predict the effect of sequence changes on RNA splicing suggest that this variant may disrupt the consensus splice site. For these reasons, this variant has been classified as Pathogenic.

Literature cited by the submitters: PubMed 20679665; PubMed 23806237.